The following is an entry in ClinVar:

ClinVar aggregate classification (germline): Uncertain significance (1 of 4 stars; one submission).

Submission:

Ambry Genetics
Classification: Uncertain significance. Last evaluated: 2024-11-23. Review status: criteria provided, single submitter. Criteria: Ambry Variant Classification Scheme 2023. Collection method: clinical testing. Allele origin: germline.
Comment: The p.T1392A variant (also known as c.4174A>G), located in coding exon 14 of the CDK12 gene, results from an A to G substitution at nucleotide position 4174. The threonine at codon 1392 is replaced by alanine, an amino acid with similar properties. This amino acid position is conserved. In addition, this alteration is predicted to be tolerated by in silico analysis. Based on the available evidence, the clinical significance of this variant remains unclear.

NM_016507.4(CDK12):c.4174A>G (p.Thr1392Ala)

Gene: CDK12 (cyclin dependent kinase 12; plus strand). Cytogenetic location: 17q12.
Variant type: single nucleotide variant.
Coding change: c.4174A>G on transcript NM_016507.4 (MANE Select); coding-DNA position 4174, A replaced by G.
Protein change: p.Thr1392Ala; replaces threonine 1392 with alanine.
Molecular consequence: missense variant.
Genome position (GRCh38, 1-based): chr17:39,531,017, A>G. VCF-style: chr17-39531017-A-G. GRCh37 (hg19) VCF-style: chr17-37687270-A-G.
Other names: c.4147A>G, p.Thr1383Ala (NM_015083.4); short protein forms T1392A, T1383A.
Identifiers: ClinVar variation 3489257 (VCV003489257.1).
Genomic context (GRCh38, chr17:39,531,017, plus strand): 5'-AAGAACAGGACCTTCTCAGGCTCTCTGAGCCACCTTGGGGAGTCCAGCAGTTACCAGGGC[A>G]CAGGGTCAGTGCAGTTTCCAGGGGACCAGGACCTCCGTTTTGCCAGGGTCCCCTTAGCGT-3'
Protein context (NP_057591.2, residues 1382-1402): HLGESSSYQG[Thr1392Ala]GSVQFPGDQD